The following is an entry in ClinVar:

ClinVar aggregate classification (germline): Uncertain significance. Review status: criteria provided, multiple submitters, no conflicts (2 of 4 stars). 2 submissions from 2 submitters: Uncertain significance (2). Last evaluated 2025-10-07.

Conditions:
Inborn genetic diseases. Identifiers: MedGen C0950123, MeSH D030342.

Submissions (2):

Labcorp Genetics (formerly Invitae), Labcorp
Classification: Uncertain significance. Last evaluated: 2025-10-07. Review status: criteria provided, single submitter. Criteria: Invitae Variant Classification Sherloc (09022015). Collection method: clinical testing. Allele origin: germline.
Comment: This sequence change replaces lysine, which is basic and polar, with arginine, which is basic and polar, at codon 638 of the ERCC6L2 protein (p.Lys638Arg). This variant is not present in population databases (gnomAD no frequency). This variant has not been reported in the literature in individuals affected with ERCC6L2-related conditions. ClinVar contains an entry for this variant (Variation ID: 4019417). Experimental studies and prediction algorithms are not available or were not evaluated, and the functional significance of this variant is currently unknown. In summary, the available evidence is currently insufficient to determine the role of this variant in disease. Therefore, it has been classified as a Variant of Uncertain Significance.

Ambry Genetics
Classification: Uncertain significance for Inborn genetic diseases. Last evaluated: 2025-04-08. Review status: criteria provided, single submitter. Criteria: Ambry Variant Classification Scheme 2023. Collection method: clinical testing. Allele origin: germline.

NM_020207.7(ERCC6L2):c.1880A>G (p.Lys627Arg)

Gene: ERCC6L2 (ERCC excision repair 6 like 2; plus strand). Cytogenetic location: 9q22.32.
Variant type: single nucleotide variant.
Coding change: c.1880A>G on transcript NM_020207.7 (MANE Select); coding-DNA position 1880, A replaced by G.
Protein change: p.Lys627Arg; replaces lysine 627 with arginine.
Molecular consequence: missense variant. On other transcripts: non-coding transcript variant (1).
Genome position (GRCh38, 1-based): chr9:95,955,946, A>G. VCF-style: chr9-95955946-A-G. GRCh37 (hg19) VCF-style: chr9-98718228-A-G.
Other names: c.1880A>G, p.Lys627Arg (NM_001010895.4, NM_001375291.1, NM_001375292.1 and 2 more transcripts); short protein forms K627R.
Identifiers: ClinVar variation 4019417 (VCV004019417.2).